The following is an entry in ClinVar:

NM_001297663.2(TTC39A):c.645A>G (p.Ser215=)

Gene: TTC39A (tetratricopeptide repeat domain 39A; minus strand). Cytogenetic location: 1p32.3.
Variant type: single nucleotide variant.
Coding change: c.645A>G on transcript NM_001297663.2 (MANE Select); coding-DNA position 645, A replaced by G.
Protein change: p.Ser215=; no amino-acid change (serine 215 retained).
Molecular consequence: synonymous variant.
Genome position (GRCh38, 1-based): chr1:51,305,090, T>C on the plus strand (A>G on the coding strand, the complement: TTC39A is on the minus strand). VCF-style: chr1-51305090-T-C. GRCh37 (hg19) VCF-style: chr1-51770762-T-C.
Other names: c.648A>G, p.Ser216= (NM_001080494.3); c.657A>G, p.Ser219= (NM_001144832.2); c.750A>G, p.Ser250= (NM_001297662.2, NM_001410793.1); c.564A>G, p.Ser188= (NM_001297664.1); c.753A>G, p.Ser251= (NM_001297665.1).
Identifiers: ClinVar variation 2638813 (VCV002638813.24), dbSNP rs185544961, ClinGen allele CA847082.

ClinVar aggregate classification (germline): Likely benign (1 of 4 stars; one submission).

Allele frequency attached by ClinVar (database versions not stated): ESP Exome Variant Server 0.00008; gnomAD exomes 0.00015; ExAC 0.00021; TOPMed 0.00045; gnomAD 0.00046; 1000 Genomes Project 0.00120; 1000 Genomes Project 30x 0.00125.

Submission:

CeGaT Center for Human Genetics Tuebingen
Classification: Likely benign. Last evaluated: 2023-03-01. Review status: criteria provided, single submitter. Criteria: CeGaT Center For Human Genetics Tuebingen Variant Classification Criteria Version 2. Collection method: clinical testing. Allele origin: germline. Affected: yes. Observed: 1 variant allele.
Comment: TTC39A: BP4, BP7